The following is an entry in ClinVar:

NM_005184.4(CALM3):c.183C>T (p.Asn61=)

Gene: CALM3 (calmodulin 3; plus strand). Cytogenetic location: 19q13.32.
Variant type: single nucleotide variant.
Coding change: c.183C>T on transcript NM_005184.4 (MANE Select); coding-DNA position 183, C replaced by T.
Protein change: p.Asn61=; no amino-acid change (asparagine 61 retained).
Molecular consequence: synonymous variant.
Genome position (GRCh38, 1-based): chr19:46,608,486, C>T. VCF-style: chr19-46608486-C-T. GRCh37 (hg19) VCF-style: chr19-47111743-C-T.
Other names: c.75C>T, p.Asn25= (NM_001329921.1, NM_001329923.1, NM_001329924.2 and 2 more transcripts); c.183C>T, p.Asn61= (NM_001329922.1).
Identifiers: ClinVar variation 240116 (VCV000240116.30), dbSNP rs3729761, ClinGen allele CA9529781.

ClinVar aggregate classification (germline): Likely benign. Review status: criteria provided, multiple submitters, no conflicts (2 of 4 stars). 11 submissions from 11 submitters: Likely benign (8). 3 of the submissions do not count toward it. Last evaluated 2026-08-01.

Conditions:
Cardiovascular phenotype. Identifiers: MedGen CN230736.
Long QT syndrome 1 (LQT1). Identifiers: Orphanet 101016, Orphanet 768, MedGen C4551647, MONDO:0100316, OMIM 192500, MONDO:0008646.

Allele frequency attached by ClinVar (database versions not stated): gnomAD 0.00042 and 0.00038; ESP Exome Variant Server 0.00046; 1000 Genomes Project 30x 0.00047; TOPMed 0.00047; gnomAD exomes 0.00054 and 0.00082; ExAC 0.00039; 1000 Genomes Project 0.00040.

Submissions (11):

CeGaT Center for Human Genetics Tuebingen
Classification: Likely benign. Last evaluated: 2026-08-01. Review status: criteria provided, single submitter. Criteria: CeGaT Center For Human Genetics Tuebingen Variant Classification Criteria Version 2. Collection method: clinical testing. Allele origin: germline. Affected: yes. Observed: 3 variant alleles.
Comment: CALM3: BP4, BP7

Labcorp Genetics (formerly Invitae), Labcorp
Classification: Likely benign for Long QT syndrome 1. Last evaluated: 2026-02-03. Review status: criteria provided, single submitter. Criteria: Invitae Variant Classification Sherloc (09022015). Collection method: clinical testing. Allele origin: germline.

Molecular Diagnostic Laboratory for Inherited Cardiovascular Disease, Montreal Heart Institute
Classification: Likely benign. Last evaluated: 2025-07-24. Review status: criteria provided, single submitter. Criteria: ACMG Guidelines, 2015. Collection method: clinical testing. Allele origin: germline. Affected: no.
Comment: BP7

Blueprint Genetics
Classification: Likely benign. Last evaluated: 2024-11-11. Review status: criteria provided, single submitter. Criteria: ACMG Guidelines, 2015. Collection method: clinical testing. Allele origin: germline.

ARUP Laboratories, Molecular Genetics and Genomics, ARUP Laboratories
Classification: Likely benign. Last evaluated: 2023-06-28. Review status: criteria provided, single submitter. Criteria: ARUP Molecular Germline Variant Investigation Process 2024. Collection method: clinical testing. Allele origin: germline.

GeneDx
Classification: Likely benign. Last evaluated: 2020-11-30. Review status: criteria provided, single submitter. Criteria: GeneDx Variant Classification Process June 2021. Collection method: clinical testing. Allele origin: germline. Affected: yes.
Comment: This variant is associated with the following publications: (PMID: 26350513)

Ambry Genetics
Classification: Likely benign for Cardiovascular phenotype. Last evaluated: 2019-01-28. Review status: criteria provided, single submitter. Criteria: Ambry Variant Classification Scheme 2023. Collection method: clinical testing. Allele origin: germline.

Breakthrough Genomics
Classification: Likely benign. Review status: criteria provided, single submitter. Criteria: ACMG Guidelines, 2015. Collection method: not provided. Allele origin: germline. Inheritance: Autosomal dominant inheritance. Affected: yes.

Clinical Genetics, Academic Medical Center
Classification: Benign. Review status: no assertion criteria provided. Collection method: clinical testing. Allele origin: germline. Affected: yes. Study: VKGL Data-share Consensus. Not counted in ClinVar's aggregate classification.

Genome Diagnostics Laboratory, University Medical Center Utrecht
Classification: Benign. Review status: no assertion criteria provided. Collection method: clinical testing. Allele origin: germline. Affected: yes. Study: VKGL Data-share Consensus. Not counted in ClinVar's aggregate classification.

Joint Genome Diagnostic Labs from Nijmegen and Maastricht, Radboudumc and MUMC+
Classification: Likely benign. Review status: no assertion criteria provided. Collection method: clinical testing. Allele origin: germline. Affected: yes. Study: VKGL Data-share Consensus. Not counted in ClinVar's aggregate classification.